The following is an entry in ClinVar:

ClinVar aggregate classification (germline): Conflicting classifications of pathogenicity. Review status: criteria provided, conflicting classifications (1 of 4 stars). 2 submissions from 2 submitters: Uncertain significance (1); Likely benign (1). Last evaluated 2025-11-18.

Conditions:
Familial cancer of breast. Also called: hereditary breast carcinoma; Hereditary breast cancer; BREAST CANCER, FAMILIAL. Identifiers: Orphanet 227535, MedGen C0346153, MONDO:0016419, OMIM 114480. Disease mechanism: loss of function.
Hereditary cancer-predisposing syndrome. Also called: Tumor predisposition; Neoplastic Syndromes, Hereditary; Hereditary Cancer Syndrome; Hereditary neoplastic syndrome. Identifiers: Orphanet 140162, MedGen C0027672, MeSH D009386, MONDO:0015356.

gnomAD v4.1: 1 of 1,614,104 alleles (0.000062%); highest among the groups gnomAD compares: Non-Finnish European, 0.000085%; no homozygotes.

Submissions (2):

Labcorp Genetics (formerly Invitae), Labcorp
Classification: Uncertain significance for Familial cancer of breast. Last evaluated: 2025-11-18. Review status: criteria provided, single submitter. Criteria: Invitae Variant Classification Sherloc (09022015). Collection method: clinical testing. Allele origin: germline.
Comment: This sequence change replaces histidine, which is basic and polar, with glutamine, which is neutral and polar, at codon 276 of the PALB2 protein (p.His276Gln). This variant is not present in population databases (gnomAD no frequency). This variant has not been reported in the literature in individuals affected with PALB2-related conditions. ClinVar contains an entry for this variant (Variation ID: 3885231). An algorithm developed to predict the effect of missense changes on protein structure and function outputs the following: PolyPhen-2: "Benign". The glutamine amino acid residue is found in multiple mammalian species, which suggests that this missense change does not adversely affect protein function. In summary, the available evidence is currently insufficient to determine the role of this variant in disease. Therefore, it has been classified as a Variant of Uncertain Significance.

Ambry Genetics
Classification: Likely benign for Hereditary cancer-predisposing syndrome. Last evaluated: 2025-03-08. Review status: criteria provided, single submitter. Criteria: Ambry Variant Classification Scheme 2023. Collection method: clinical testing. Allele origin: germline.

NM_024675.4(PALB2):c.828C>A (p.His276Gln)

Gene: PALB2 (partner and localizer of BRCA2; minus strand). Cytogenetic location: 16p12.2.
Variant type: single nucleotide variant.
Coding change: c.828C>A on transcript NM_024675.4 (MANE Select); coding-DNA position 828, C replaced by A.
Protein change: p.His276Gln; replaces histidine 276 with glutamine.
Molecular consequence: missense variant. On other transcripts: 5 prime UTR variant (8), intron variant (3).
Genome position (GRCh38, 1-based): chr16:23,635,718, G>T on the plus strand (C>A on the coding strand, the complement: PALB2 is on the minus strand). VCF-style: chr16-23635718-G-T. GRCh37 (hg19) VCF-style: chr16-23647039-G-T.
Other names: c.768C>A, p.His256Gln (NM_001407296.1); c.828C>A, p.His276Gln (NM_001407297.1, NM_001407298.1, NM_001407299.1 and 3 more transcripts); c.-58C>A (NM_001407304.1, NM_001407305.1, NM_001407306.1 and 5 more transcripts); c.48+5392C>A (NM_001407314.1); c.-104-5249C>A (NM_001407313.1, NM_001407312.1); short protein forms H276Q, H256Q.
Identifiers: ClinVar variation 3885231 (VCV003885231.2).